The following is an entry in ClinVar:

ClinVar aggregate classification (germline): Likely pathogenic (1 of 4 stars; one submission).

Conditions:
Neurodevelopmental disorder. Identifiers: MedGen C1535926, MeSH D065886, MONDO:0700092.

Submission:

Victorian Clinical Genetics Services, Murdoch Childrens Research Institute
Classification: Likely pathogenic for Neurodevelopmental disorder. Last evaluated: 2026-05-19. Review status: criteria provided, single submitter. Criteria: ACMG Guidelines, 2015. Collection method: clinical testing. Allele origin: germline. Affected: yes.
Comment: This variant is classified as Likely pathogenic. Evidence in support of pathogenic classification: Variant is predicted to cause nonsense-mediated decay (NMD) and loss of protein (premature termination codon is located at least 54 nucleotides upstream of the final exon-exon junction); Variant is absent from gnomAD (v2, v3 and v4); Other NMD-predicted variants comparable to the one identified in this case have moderate previous evidence for pathogenicity. The majority of the NMD-predicted variants in ClinVar are classified as VUS (DECIPHER). However, several de novo NMD-predicted variants have been observed in individuals with an emerging autosomal dominant neurodevelopmental disorder phenotype (PMIDs: 41629993, 40925378); Additional information: This variant is heterozygous; This gene is associated with both recessive and dominant disease (OMIM; PMIDs: 41629993, 40925378); This variant has no previous evidence of pathogenicity; No published evidence of segregation with disease has been identified for this variant; No published functional evidence has been identified for this variant; Loss of function and gain of function are known mechanisms of disease in this gene. Gain of function is the established mechanism for lissencephaly 9 with complex brainstem malformation (MIM#618325), while loss of function is associated with the emerging autosomal dominant and recessive neurodevelopmental disorder (MONDO:0700092), MACF1-related phenotype (PMIDs: 41629993, 40925378); Variants in this gene are known to have variable expressivity. Domain function and the level of transcript expression are thought to explain the observed wide clinical heterogeneity and severity (PMIDs: 41629993, 40925378).

Literature cited by the submitters: PubMed 40925378; PubMed 41629993.

NM_001394062.1(MACF1):c.21574C>T (p.Arg7192Ter)

Gene: MACF1 (microtubule actin crosslinking factor 1; plus strand). Cytogenetic location: 1p34.3.
Variant type: single nucleotide variant.
Coding change: c.21574C>T on transcript NM_001394062.1 (MANE Select); coding-DNA position 21574, C replaced by T.
Protein change: p.Arg7192Ter; replaces arginine 7192 with a stop codon.
Molecular consequence: nonsense.
Genome position (GRCh38, 1-based): chr1:39,461,933, C>T. VCF-style: chr1-39461933-C-T. GRCh37 (hg19) VCF-style: chr1-39927605-C-T.
Other names: c.9652C>T, p.Arg3218Ter (NM_001397473.1); c.15397C>T, p.Arg5133Ter (NM_012090.5); short protein forms R3218*, R5133*, R7192*.
Identifiers: ClinVar variation 4879809 (VCV004879809.1).